The following is an entry in ClinVar:

NM_000057.4(BLM):c.1871A>G (p.Gln624Arg)

Gene: BLM (BLM RecQ like helicase; plus strand). Cytogenetic location: 15q26.1.
Variant type: single nucleotide variant.
Coding change: c.1871A>G on transcript NM_000057.4 (MANE Select); coding-DNA position 1871, A replaced by G.
Protein change: p.Gln624Arg; replaces glutamine 624 with arginine.
Molecular consequence: missense variant.
Genome position (GRCh38, 1-based): chr15:90,761,244, A>G. VCF-style: chr15-90761244-A-G. GRCh37 (hg19) VCF-style: chr15-91304474-A-G.
Other names: c.1871A>G, p.Gln624Arg (NM_001287246.2, NM_001287247.2); c.746A>G, p.Gln249Arg (NM_001287248.2); short protein forms Q249R, Q624R.
Identifiers: ClinVar variation 1062345 (VCV001062345.11), dbSNP rs2151159195, ClinGen allele CA393844022.

ClinVar aggregate classification (germline): Uncertain significance. Review status: criteria provided, multiple submitters, no conflicts (2 of 4 stars). 2 submissions from 2 submitters: Uncertain significance (2). Last evaluated 2022-08-30.

Conditions:
Hereditary cancer-predisposing syndrome. Also called: Hereditary Cancer Syndrome; Hereditary neoplastic syndrome; Neoplastic Syndromes, Hereditary; Tumor predisposition. Identifiers: Orphanet 140162, MedGen C0027672, MeSH D009386, MONDO:0015356.
Bloom syndrome (BLM). Also called: Bloom-Torre-Machacek syndrome. Identifiers: Orphanet 125, MedGen C0005859, MONDO:0008876, OMIM 210900.

Submissions (2):

Ambry Genetics
Classification: Uncertain significance for Hereditary cancer-predisposing syndrome. Last evaluated: 2022-08-30. Review status: criteria provided, single submitter. Criteria: Ambry Variant Classification Scheme 2023. Collection method: clinical testing. Allele origin: germline.
Comment: The p.Q624R variant (also known as c.1871A>G), located in coding exon 6 of the BLM gene, results from an A to G substitution at nucleotide position 1871. The glutamine at codon 624 is replaced by arginine, an amino acid with highly similar properties. This amino acid position is conserved. In addition, this alteration is predicted to be tolerated by in silico analysis. Since supporting evidence is limited at this time, the clinical significance of this alteration remains unclear.

Labcorp Genetics (formerly Invitae), Labcorp
Classification: Uncertain significance for Bloom syndrome. Last evaluated: 2020-10-29. Review status: criteria provided, single submitter. Criteria: Invitae Variant Classification Sherloc (09022015). Collection method: clinical testing. Allele origin: germline.
Comment: In summary, the available evidence is currently insufficient to determine the role of this variant in disease. Therefore, it has been classified as a Variant of Uncertain Significance. Algorithms developed to predict the effect of missense changes on protein structure and function (SIFT, PolyPhen-2, Align-GVGD) all suggest that this variant is likely to be tolerated, but these predictions have not been confirmed by published functional studies and their clinical significance is uncertain. This variant has not been reported in the literature in individuals with BLM-related conditions. This variant is not present in population databases (ExAC no frequency). This sequence change replaces glutamine with arginine at codon 624 of the BLM protein (p.Gln624Arg). The glutamine residue is weakly conserved and there is a small physicochemical difference between glutamine and arginine.